The following is an entry in ClinVar:

NM_004230.4(S1PR2):c.981A>G (p.Pro327=)

Gene: S1PR2 (sphingosine-1-phosphate receptor 2; minus strand). Cytogenetic location: 19p13.2.
Variant type: single nucleotide variant.
Coding change: c.981A>G on transcript NM_004230.4 (MANE Select); coding-DNA position 981, A replaced by G.
Protein change: p.Pro327=; no amino-acid change (proline 327 retained).
Molecular consequence: synonymous variant.
Genome position (GRCh38, 1-based): chr19:10,223,925, T>C on the plus strand (A>G on the coding strand, the complement: S1PR2 is on the minus strand). VCF-style: chr19-10223925-T-C. GRCh37 (hg19) VCF-style: chr19-10334601-T-C.
Identifiers: ClinVar variation 1618993 (VCV001618993.30), dbSNP rs146709827, ClinGen allele CA9188959.

ClinVar aggregate classification (germline): Likely benign. Review status: criteria provided, multiple submitters, no conflicts (2 of 4 stars). 2 submissions from 2 submitters: Likely benign (2). Last evaluated 2025-06-06.

Allele frequency attached by ClinVar (database versions not stated): gnomAD 0.00007 and 0.00008; gnomAD exomes 0.00009 and 0.00016; TOPMed 0.00011; ESP Exome Variant Server 0.00015; ExAC 0.00016.
gnomAD v4.1: 140 of 1,601,216 alleles (0.0087%); highest among the groups gnomAD compares: East Asian, 0.098%; no homozygotes.

Submissions (2):

Labcorp Genetics (formerly Invitae), Labcorp
Classification: Likely benign. Last evaluated: 2025-06-06. Review status: criteria provided, single submitter. Criteria: Invitae Variant Classification Sherloc (09022015). Collection method: clinical testing. Allele origin: germline.

CeGaT Center for Human Genetics Tuebingen
Classification: Likely benign. Last evaluated: 2024-02-01. Review status: criteria provided, single submitter. Criteria: CeGaT Center For Human Genetics Tuebingen Variant Classification Criteria Version 2. Collection method: clinical testing. Allele origin: germline. Affected: yes. Observed: 1 variant allele.
Comment: S1PR2: BP4, BP7